The following is an entry in ClinVar:

NM_001182.5(ALDH7A1):c.1489+4C>T

Gene: ALDH7A1 (aldehyde dehydrogenase 7 family member A1; minus strand). Cytogenetic location: 5q23.2.
Variant type: single nucleotide variant.
Coding change: c.1489+4C>T on transcript NM_001182.5 (MANE Select); 4 bases into the intron after coding-DNA position 1489, C replaced by T.
Molecular consequence: intron variant.
Genome position (GRCh38, 1-based): chr5:126,549,925, G>A on the plus strand (C>T on the coding strand, the complement: ALDH7A1 is on the minus strand). VCF-style: chr5-126549925-G-A. GRCh37 (hg19) VCF-style: chr5-125885617-G-A.
Other names: c.1297+4C>T (NM_001202404.2); c.1405+4C>T (NM_001201377.2).
Identifiers: ClinVar variation 210116 (VCV000210116.44), dbSNP rs775065938, ClinGen allele CA208458.
Genomic context (GRCh38, chr5:126,549,925, plus strand): 5'-AAAAGCTACTACTGGTTTTTCTTTGCTGCCCAACATGGAAAAGGAGAAATGATTCTCTAC[G>A]TACCAAAGGCACCTCCAATCTCAGCCCCACTTGTTGGAATGTTGACATTTACAATGCCAC-3'

ClinVar aggregate classification (germline): Conflicting classifications of pathogenicity. Review status: criteria provided, conflicting classifications (1 of 4 stars). 3 submissions from 3 submitters: Uncertain significance (2); Likely benign (1). Last evaluated 2022-03-23.

Conditions:
Pyridoxine-dependent epilepsy (EPEO4). Also called: Pyridoxine-Dependent Epilepsy - ALDH7A1; EPILEPSY, EARLY-ONSET, 4, VITAMIN B6-DEPENDENT; Pyridoxine-Dependent Seizures; PYRIDOXINE DEPENDENCY WITH SEIZURES. Identifiers: Orphanet 3006, MedGen C1849508, MONDO:0009945, OMIM 266100. Disease mechanism: loss of function.

Allele frequency attached by ClinVar (database versions not stated): TOPMed 0.00002; gnomAD 0.00003; ExAC 0.00001; gnomAD exomes 0.00001.
gnomAD v4.1: 21 of 1,613,582 alleles (0.0013%); highest among the groups gnomAD compares: East Asian, 0.016%; no homozygotes.

Submissions (3):

Labcorp Genetics (formerly Invitae), Labcorp
Classification: Uncertain significance for Pyridoxine-dependent epilepsy. Last evaluated: 2022-03-23. Review status: criteria provided, single submitter. Criteria: Invitae Variant Classification Sherloc (09022015). Collection method: clinical testing. Allele origin: germline.
Comment: This sequence change falls in intron 16 of the ALDH7A1 gene. It does not directly change the encoded amino acid sequence of the ALDH7A1 protein. It affects a nucleotide within the consensus splice site. This variant is present in population databases (rs775065938, gnomAD 0.01%). This variant has not been reported in the literature in individuals affected with ALDH7A1-related conditions. ClinVar contains an entry for this variant (Variation ID: 210116). Variants that disrupt the consensus splice site are a relatively common cause of aberrant splicing (PMID: 17576681, 9536098). Algorithms developed to predict the effect of sequence changes on RNA splicing suggest that this variant is not likely to affect RNA splicing. In summary, the available evidence is currently insufficient to determine the role of this variant in disease. Therefore, it has been classified as a Variant of Uncertain Significance.

CeGaT Center for Human Genetics Tuebingen
Classification: Likely benign. Last evaluated: 2022-03-01. Review status: criteria provided, single submitter. Criteria: CeGaT Center For Human Genetics Tuebingen Variant Classification Criteria Version 2. Collection method: clinical testing. Allele origin: germline. Affected: yes. Observed: 1 variant allele.
Comment: ALDH7A1: BP4

Genetic Services Laboratory, University of Chicago
Classification: Uncertain significance. Last evaluated: 2014-04-03. Review status: criteria provided, single submitter. Criteria: ACMG Guidelines, 2007. Collection method: clinical testing. Allele origin: germline.

Literature cited by the submitters: PubMed 17576681 (cited by Labcorp Genetics (formerly Invitae), Labcorp); PubMed 9536098 (cited by Labcorp Genetics (formerly Invitae), Labcorp).